The following is an entry in ClinVar:

NM_005045.4(RELN):c.2872C>G (p.Leu958Val)

Gene: RELN (reelin; minus strand). Cytogenetic location: 7q22.1.
Variant type: single nucleotide variant.
Coding change: c.2872C>G on transcript NM_005045.4 (MANE Select); coding-DNA position 2872, C replaced by G.
Protein change: p.Leu958Val; replaces leucine 958 with valine.
Molecular consequence: missense variant.
Genome position (GRCh38, 1-based): chr7:103,611,634, G>C on the plus strand (C>G on the coding strand, the complement: RELN is on the minus strand). VCF-style: chr7-103611634-G-C. GRCh37 (hg19) VCF-style: chr7-103252081-G-C.
Other names: c.2872C>G, p.Leu958Val (NM_173054.3); short protein forms L958V.
Identifiers: ClinVar variation 2163212 (VCV002163212.4), dbSNP rs988695125, ClinGen allele CA163909510.

ClinVar aggregate classification (germline): Uncertain significance (1 of 4 stars; one submission).

Conditions:
Norman-Roberts syndrome (LIS2). Also called: Lissencephaly 2 (Norman-Roberts type). Identifiers: Orphanet 89844, MedGen C0796089, MONDO:0009760, OMIM 257320.
Familial temporal lobe epilepsy 7. Identifiers: Orphanet 101046, MedGen C4225327, MONDO:0014639, OMIM 616436.

Allele frequency attached by ClinVar (database versions not stated): gnomAD 0.00001.
gnomAD v4.1: 2 of 1,613,444 alleles (0.00012%); highest among the groups gnomAD compares: African/African-American, 0.0027%; no homozygotes.

Submission:

Labcorp Genetics (formerly Invitae), Labcorp
Classification: Uncertain significance for Familial temporal lobe epilepsy 7; Norman-Roberts syndrome. Last evaluated: 2025-06-12. Review status: criteria provided, single submitter. Criteria: Invitae Variant Classification Sherloc (09022015). Collection method: clinical testing. Allele origin: germline.
Comment: This sequence change replaces leucine, which is neutral and non-polar, with valine, which is neutral and non-polar, at codon 958 of the RELN protein (p.Leu958Val). This variant is not present in population databases (gnomAD no frequency). This variant has not been reported in the literature in individuals affected with RELN-related conditions. ClinVar contains an entry for this variant (Variation ID: 2163212). Invitae Evidence Modeling of protein sequence and biophysical properties (such as structural, functional, and spatial information, amino acid conservation, physicochemical variation, residue mobility, and thermodynamic stability) indicates that this missense variant is not expected to disrupt RELN protein function with a negative predictive value of 80%. In summary, the available evidence is currently insufficient to determine the role of this variant in disease. Therefore, it has been classified as a Variant of Uncertain Significance.